The following is an entry in ClinVar:

NM_000538.4(RFXAP):c.709-7_709-4del

Gene: RFXAP (regulatory factor X associated protein; plus strand). Cytogenetic location: 13q13.3.
Variant type: Microsatellite.
Coding change: c.709-7_709-4del on transcript NM_000538.4 (MANE Select); 7 bases into the intron before coding-DNA position 709 through 4 bases into the intron before coding-DNA position 709, 4 bases deleted (TTCT; older notation c.709-7_709-4delTTCT).
Molecular consequence: intron variant.
Genome position (GRCh38, 1-based): chr13:36,827,636-36,827,639, TTCT deleted; deleting any 4 consecutive bases within chr13:36,827,631-36,827,639 gives the same sequence; the c. name uses the placement nearest the transcript's 3' end. VCF-style (leftmost placement, unchanged base first): chr13-36827630-TTTTC-T. GRCh37 (hg19) VCF-style: chr13-37401767-TTTTC-T.
Other names: c.709-7_709-4delTTCT (NM_000538.3).
Identifiers: ClinVar variation 580730 (VCV000580730.10), dbSNP rs749945016, ClinGen allele CA6950280.

ClinVar aggregate classification (germline): Uncertain significance (1 of 4 stars; one submission).

Conditions:
MHC class II deficiency. Also called: Bare lymphocyte syndrome 2; BLS, TYPE II. Identifiers: Orphanet 572, MedGen C5447452, MONDO:0008855.

Submission:

Labcorp Genetics (formerly Invitae), Labcorp
Classification: Uncertain significance for MHC class II deficiency. Last evaluated: 2020-02-27. Review status: criteria provided, single submitter. Criteria: Invitae Variant Classification Sherloc (09022015). Collection method: clinical testing. Allele origin: germline.
Comment: In summary, the available evidence is currently insufficient to determine the role of this variant in disease. Therefore, it has been classified as a Variant of Uncertain Significance. Algorithms developed to predict the effect of sequence changes on RNA splicing suggest that this variant may disrupt the consensus splice site, but this prediction has not been confirmed by published transcriptional studies. This variant has not been reported in the literature in individuals with RFXAP-related disease. This variant is present in population databases (rs749945016, ExAC 0.01%). This sequence change falls in intron 2 of the RFXAP gene. It does not directly change the encoded amino acid sequence of the RFXAP protein.